The following is an entry in ClinVar:

NM_020821.3(VPS13C):c.8980G>T (p.Gly2994Trp)

Gene: VPS13C (vacuolar protein sorting 13 homolog C; minus strand). Cytogenetic location: 15q22.2.
Variant type: single nucleotide variant.
Coding change: c.8980G>T on transcript NM_020821.3 (MANE Select); coding-DNA position 8980, G replaced by T.
Protein change: p.Gly2994Trp; replaces glycine 2994 with tryptophan.
Molecular consequence: missense variant.
Genome position (GRCh38, 1-based): chr15:61,907,389, C>A on the plus strand (G>T on the coding strand, the complement: VPS13C is on the minus strand). VCF-style: chr15-61907389-C-A. GRCh37 (hg19) VCF-style: chr15-62199588-C-A.
Other names: c.8980G>T, p.Gly2994Trp (NM_001018088.3); c.8851G>T, p.Gly2951Trp (NM_017684.5, NM_018080.4); short protein forms G2951W, G2994W.
Identifiers: ClinVar variation 1985383 (VCV001985383.4), dbSNP rs146300915, ClinGen allele CA7594802.

ClinVar aggregate classification (germline): Uncertain significance (1 of 4 stars; one submission).

Allele frequency attached by ClinVar (database versions not stated): ExAC 0.00003; TOPMed 0.00005; gnomAD 0.00006; gnomAD exomes 0.00008; ESP Exome Variant Server 0.00023.
gnomAD v4.1: 134 of 1,613,268 alleles (0.0083%); highest among the groups gnomAD compares: Non-Finnish European, 0.01%; no homozygotes.

Submission:

Labcorp Genetics (formerly Invitae), Labcorp
Classification: Uncertain significance. Last evaluated: 2022-03-25. Review status: criteria provided, single submitter. Criteria: Invitae Variant Classification Sherloc (09022015). Collection method: clinical testing. Allele origin: germline.
Comment: In summary, the available evidence is currently insufficient to determine the role of this variant in disease. Therefore, it has been classified as a Variant of Uncertain Significance. Algorithms developed to predict the effect of missense changes on protein structure and function are either unavailable or do not agree on the potential impact of this missense change (SIFT: "Deleterious"; PolyPhen-2: "Probably Damaging"; Align-GVGD: "Class C15"). This variant has not been reported in the literature in individuals affected with VPS13C-related conditions. This variant is present in population databases (rs146300915, gnomAD 0.005%). This sequence change replaces glycine, which is neutral and non-polar, with tryptophan, which is neutral and slightly polar, at codon 2994 of the VPS13C protein (p.Gly2994Trp).